The following is an entry in ClinVar:

NM_015443.4(KANSL1):c.834A>C (p.Leu278Phe)

Gene: KANSL1 (KAT8 regulatory NSL complex subunit 1). Cytogenetic location: 17q21.31.
Variant type: single nucleotide variant.
Coding change: c.834A>C on transcript NM_015443.4 (MANE Select); coding-DNA position 834, A replaced by C.
Protein change: p.Leu278Phe; replaces leucine 278 with phenylalanine.
Molecular consequence: missense variant. On other transcripts: intron variant (4).
Genome position (GRCh38, 1-based): chr17:46,171,310, T>G on the plus strand (A>C on the coding strand, the complement: KANSL1 is on the minus strand). VCF-style: chr17-46171310-T-G. GRCh37 (hg19) VCF-style: chr17-44248676-T-G.
Other names: c.834A>C, p.Leu278Phe (NM_001193465.2, NM_001193466.2, NM_001379198.1 and 18 more transcripts); c.23+52361A>C (NM_001405885.1, NM_001405884.1, NM_001405883.1 and 1 more transcripts); short protein forms L278F.
Identifiers: ClinVar variation 4886002 (VCV004886002.2).

ClinVar aggregate classification (germline): Uncertain significance (1 of 4 stars; one submission).

Submission:

Dasa
Classification: Uncertain significance. Last evaluated: 2025-11-10. Review status: criteria provided, single submitter. Criteria: DASA Assertion Criteria. Collection method: clinical testing. Allele origin: germline.
Comment: NM_015443.4(KANSL1):c.834A>C (p.Leu278Phe) is a missense variant that results in the substitution of leucine with phenylalanine. This variant is absent from population databases. Computational prediction algorithms are consistent with a benign effect. The currently available literature and clinical evidence are not sufficient to establish a definitive association between this variant and the reported condition. Therefore, this variant is classified as a variant of uncertain significance.